The following is an entry in ClinVar:

ClinVar aggregate classification (germline): Uncertain significance (1 of 4 stars; one submission).

Conditions:
Multiple congenital exostosis (EXT). Also called: Multiple exostoses; Hereditary multiple osteochondromas; Hereditary multiple exostoses; Hereditary multiple exostosis; MULTIPLE CARTILAGINOUS EXOSTOSES; Multiple osteochondromas. Identifiers: Orphanet 321, MedGen C0015306, MONDO:0005508, HP:0002762.

Submission:

Labcorp Genetics (formerly Invitae), Labcorp
Classification: Uncertain significance for Multiple congenital exostosis. Last evaluated: 2025-10-19. Review status: criteria provided, single submitter. Criteria: Invitae Variant Classification Sherloc (09022015). Collection method: clinical testing. Allele origin: germline.
Comment: This sequence change replaces leucine, which is neutral and non-polar, with isoleucine, which is neutral and non-polar, at codon 108 of the EXT1 protein (p.Leu108Ile). This variant is not present in population databases (gnomAD no frequency). This variant has not been reported in the literature in individuals affected with EXT1-related conditions. Invitae Evidence Modeling of protein sequence and biophysical properties (such as structural, functional, and spatial information, amino acid conservation, physicochemical variation, residue mobility, and thermodynamic stability) indicates that this missense variant is not expected to disrupt EXT1 protein function with a negative predictive value of 80%. In summary, the available evidence is currently insufficient to determine the role of this variant in disease. Therefore, it has been classified as a Variant of Uncertain Significance.

NM_000127.3(EXT1):c.322C>A (p.Leu108Ile)

Gene: EXT1 (exostosin glycosyltransferase 1; minus strand). Cytogenetic location: 8q24.11.
Variant type: single nucleotide variant.
Coding change: c.322C>A on transcript NM_000127.3 (MANE Select); coding-DNA position 322, C replaced by A.
Protein change: p.Leu108Ile; replaces leucine 108 with isoleucine.
Molecular consequence: missense variant.
Genome position (GRCh38, 1-based): chr8:118,110,725, G>T on the plus strand (C>A on the coding strand, the complement: EXT1 is on the minus strand). VCF-style: chr8-118110725-G-T. GRCh37 (hg19) VCF-style: chr8-119122964-G-T.
Other names: short protein forms L108I.
Identifiers: ClinVar variation 4695384 (VCV004695384.1).